The following is an entry in ClinVar:

ClinVar aggregate classification (germline): Conflicting classifications of pathogenicity. Review status: criteria provided, conflicting classifications (1 of 4 stars). 5 submissions from 5 submitters: Uncertain significance (4); Benign (1). Last evaluated 2025-12-08.

Conditions:
Hereditary cancer-predisposing syndrome. Also called: Hereditary neoplastic syndrome; Tumor predisposition; Neoplastic Syndromes, Hereditary; Hereditary Cancer Syndrome. Identifiers: Orphanet 140162, MedGen C0027672, MeSH D009386, MONDO:0015356.
Multiple endocrine neoplasia, type 1 (MEN1). Also called: MEN I; WERMER SYNDROME; MEA I; Endocrine adenomatosis multiple; MEN 1. Identifiers: Orphanet 652, MedGen C0025267, MeSH D018761, MONDO:0007540, OMIM 131100.

Allele frequency attached by ClinVar (database versions not stated): gnomAD exomes below 0.00001; TOPMed 0.00001; gnomAD 0.00002.

Submissions (5):

Labcorp Genetics (formerly Invitae), Labcorp
Classification: Benign for Multiple endocrine neoplasia, type 1. Last evaluated: 2025-12-08. Review status: criteria provided, single submitter. Criteria: Invitae Variant Classification Sherloc (09022015). Collection method: clinical testing. Allele origin: germline.

Quest Diagnostics Nichols Institute San Juan Capistrano
Classification: Uncertain significance. Last evaluated: 2025-11-07. Review status: criteria provided, single submitter. Criteria: Quest Diagnostics criteria. Collection method: clinical testing. Allele origin: unknown.

All of Us Research Program, National Institutes of Health
Classification: Uncertain significance for Multiple endocrine neoplasia, type 1. Last evaluated: 2024-06-09. Review status: criteria provided, single submitter. Criteria: ACMG Guidelines, 2015. Collection method: clinical testing. Allele origin: germline. Inheritance: Autosomal dominant inheritance. Observed: 1 variant allele, 1 heterozygote.
Comment: This missense variant replaces proline with serine at codon 545 of the MEN1 protein. Computational prediction suggests that this variant may not impact protein structure and function. To our knowledge, functional studies have not been reported for this variant. This variant has not been reported in individuals affected with MEN1-related disorders in the literature. This variant has not been identified in the general population by the Genome Aggregation Database (gnomAD). The available evidence is insufficient to determine the role of this variant in disease conclusively. Therefore, this variant is classified as a Variant of Uncertain Significance.

This study involves interpretation of variants in research participants for the purpose of population health screening. Participant phenotype was not available at the time of variant classification. Additional details can be found in publication PMID: 35346344, PMCID: PMC8962531

Color Diagnostics, LLC DBA Color Health
Classification: Uncertain significance for Multiple endocrine neoplasia, type 1. Last evaluated: 2024-05-23. Review status: criteria provided, single submitter. Criteria: ACMG Guidelines, 2015. Collection method: clinical testing. Allele origin: germline.
Comment: This missense variant replaces proline with serine at codon 545 of the MEN1 protein. Computational prediction suggests that this variant may not impact protein structure and function. To our knowledge, functional studies have not been reported for this variant. This variant has not been reported in individuals affected with MEN1-related disorders in the literature. This variant has not been identified in the general population by the Genome Aggregation Database (gnomAD). The available evidence is insufficient to determine the role of this variant in disease conclusively. Therefore, this variant is classified as a Variant of Uncertain Significance.

Ambry Genetics
Classification: Uncertain significance for Hereditary cancer-predisposing syndrome. Last evaluated: 2023-08-29. Review status: criteria provided, single submitter. Criteria: Ambry Variant Classification Scheme 2023. Collection method: clinical testing. Allele origin: germline.
Comment: The p.P545S variant (also known as c.1633C>T), located in coding exon 9 of the MEN1 gene, results from a C to T substitution at nucleotide position 1633. The proline at codon 545 is replaced by serine, an amino acid with similar properties. This alteration has been reported in an individual with a clinical diagnosis of MEN1 (Cr&eacute;pin M et al. Electrophoresis, 2003 Jan;24:26-33). This alteration has also been reported in an individual with a pituitary adenoma (Cuny T et al. Eur. J. Endocrinol., 2013 Apr;168:533-41). Of note, this alteration is also reported as p.P540S, c.1618C>T in the literature. This amino acid position is highly conserved in available vertebrate species. In addition, the in silico prediction for this alteration is inconclusive. Since supporting evidence is limited at this time, the clinical significance of this alteration remains unclear.

Literature cited by the submitters: PubMed 12652570 (cited by Ambry Genetics); PubMed 23321498 (cited by Ambry Genetics).

NM_001370259.2(MEN1):c.1633C>T (p.Pro545Ser)

Gene: MEN1 (menin 1; minus strand). Cytogenetic location: 11q13.1.
Variant type: single nucleotide variant.
Coding change: c.1633C>T on transcript NM_001370259.2 (MANE Select); coding-DNA position 1633, C replaced by T.
Protein change: p.Pro545Ser; replaces proline 545 with serine.
Molecular consequence: missense variant.
Genome position (GRCh38, 1-based): chr11:64,804,534, G>A on the plus strand (C>T on the coding strand, the complement: MEN1 is on the minus strand). VCF-style: chr11-64804534-G-A. GRCh37 (hg19) VCF-style: chr11-64572006-G-A.
Other names: c.1633C>T, p.Pro545Ser (NM_001370260.2, NM_001370261.2, NM_130799.3); c.1528C>T, p.Pro510Ser (NM_001370262.2, NM_001370263.2); c.1648C>T, p.Pro550Ser (NM_130800.3, NM_130801.3, NM_130802.3 and 3 more transcripts); c.1759C>T, p.Pro587Ser (NM_001370251.2); short protein forms P545S, P587S, P510S, P550S.
Identifiers: ClinVar variation 857520 (VCV000857520.15), dbSNP rs1941510179, ClinGen allele CA381177981.